The following is an entry in ClinVar:

ClinVar aggregate classification (germline): Likely benign. Review status: criteria provided, single submitter (1 of 4 stars). 2 submissions from 2 submitters: Likely benign (1). 1 of the submissions does not count toward it. Last evaluated 2024-09-14.

Conditions:
Inclusion body myopathy with early-onset Paget disease with or without frontotemporal dementia 2 (IBMPFD2). Also called: MULTISYSTEM PROTEINOPATHY 2. Identifiers: MedGen C3809468, MONDO:0014178, OMIM 615422.
HNRNPA2B1-related disorder. Also called: HNRNPA2B1-related condition.

Allele frequency attached by ClinVar (database versions not stated): gnomAD exomes 0.00002; ExAC 0.00001; TOPMed 0.00001; gnomAD 0.00001.
gnomAD v4.1: 25 of 1,611,020 alleles (0.0016%); highest among the groups gnomAD compares: South Asian, 0.0044%; no homozygotes.

Submissions (2):

Labcorp Genetics (formerly Invitae), Labcorp
Classification: Likely benign for Inclusion body myopathy with early-onset Paget disease with or without frontotemporal dementia 2. Last evaluated: 2024-09-14. Review status: criteria provided, single submitter. Criteria: Invitae Variant Classification Sherloc (09022015). Collection method: clinical testing. Allele origin: germline.

PreventionGenetics, part of Exact Sciences
Classification: Likely benign for HNRNPA2B1-related condition. Last evaluated: 2023-01-30. Review status: no assertion criteria provided. Collection method: clinical testing. Allele origin: germline. Not counted in ClinVar's aggregate classification.
Comment: This variant is classified as likely benign based on ACMG/AMP sequence variant interpretation guidelines (Richards et al. 2015 PMID: 25741868, with internal and published modifications).

NM_002137.4(HNRNPA2B1):c.903C>T (p.Tyr301=)

Gene: HNRNPA2B1 (heterogeneous nuclear ribonucleoprotein A2/B1; minus strand). Cytogenetic location: 7p15.2.
Variant type: single nucleotide variant.
Coding change: c.903C>T on transcript NM_002137.4 (MANE Select); coding-DNA position 903, C replaced by T.
Protein change: p.Tyr301=; no amino-acid change (tyrosine 301 retained).
Molecular consequence: synonymous variant.
Genome position (GRCh38, 1-based): chr7:26,193,312, G>A on the plus strand (C>T on the coding strand, the complement: HNRNPA2B1 is on the minus strand). VCF-style: chr7-26193312-G-A. GRCh37 (hg19) VCF-style: chr7-26232932-G-A.
Other names: c.939C>T, p.Tyr313= (NM_031243.4).
Identifiers: ClinVar variation 786769 (VCV000786769.10), dbSNP rs760203875, ClinGen allele CA4194420.
Genomic context (GRCh38, chr7:26,193,312, plus strand): 5'-TCCACCATATGGTCCCCCCATGTTCCTGCTACCACCAAAGTTTCCACTCTTCATTGGACC[G>A]TAGTTAGAAGGTTGCTGGTTATAATTTCCAAAATCATTGTAATTTCCACTTCCATAATTT-3'
Protein context (NP_002128.1, residues 291-311): FGNYNQQPSN[Tyr301=]GPMKSGNFGG